The following is an entry in ClinVar:

ClinVar aggregate classification (germline): Likely pathogenic (1 of 4 stars; one submission).

Conditions:
Nephrotic syndrome 16. Identifiers: MedGen C4540453, MONDO:0033280, OMIM 617783.

Submission:

Variantyx, Inc.
Classification: Likely pathogenic for Nephrotic syndrome 16. Last evaluated: 2025-03-19. Review status: criteria provided, single submitter. Criteria: Variantyx Assertion Criteria 2022. Collection method: clinical testing. Allele origin: germline.
Comment: This is a frameshift variant in the KANK2 gene (OMIM: 614610). Pathogenic variants in this gene have been associated with autosomal recessive nephrotic syndrome type 16. This variant introduces a premature termination codon in exon 6 out of 13. It is expected to result in loss of function, which is a known disease mechanism for KANK2 in this disorder (PVS1) PMID:25961457). This variant is absent from control populations (PM2_Supporting). This variant has not been reported in individuals with KANK2-related disorders in the databases available for review. Based on the current evidence, this variant is classified as likely pathogenic for autosomal recessive nephrotic syndrome type 16.

NM_001136191.3(KANK2):c.1491del (p.Ser498fs)

Gene: KANK2 (KN motif and ankyrin repeat domains 2; minus strand). Cytogenetic location: 19p13.2.
Variant type: Deletion.
Coding change: c.1491del on transcript NM_001136191.3 (MANE Select); coding-DNA position 1491, one base deleted (G; older notation c.1491delG).
Protein change: p.Ser498fs; shifts the reading frame from serine 498.
Molecular consequence: frameshift variant.
Genome position (GRCh38, 1-based): chr19:11,178,374, C deleted on the plus strand (G on the coding strand, the reverse complement: KANK2 is on the minus strand); the first of 2 consecutive C bases (chr19:11,178,374-11,178,375); deleting either gives the same sequence. VCF-style (leftmost placement, unchanged base first): chr19-11178373-TC-T. GRCh37 (hg19) VCF-style: chr19-11289049-TC-T.
Other names: c.1491del, p.Ser498fs (NM_001329451.2, NM_001379555.1, NM_001379556.1 and 7 more transcripts); c.1515del, p.Ser506fs (NM_001379548.1, NM_001379549.1, NM_001379550.1 and 5 more transcripts); short protein forms S498fs, S506fs.
Identifiers: ClinVar variation 4759253 (VCV004759253.1).